The following is an entry in ClinVar:

NM_000554.6(CRX):c.*1289G>A

Gene: CRX (cone-rod homeobox; plus strand). Cytogenetic location: 19q13.33.
Variant type: single nucleotide variant.
Coding change: c.*1289G>A on transcript NM_000554.6 (MANE Select); 1289 bases downstream of the stop codon, G replaced by A.
Molecular consequence: 3 prime UTR variant.
Genome position (GRCh38, 1-based): chr19:47,841,256, G>A. VCF-style: chr19-47841256-G-A. GRCh37 (hg19) VCF-style: chr19-48344513-G-A.
Identifiers: ClinVar variation 329739 (VCV000329739.6), dbSNP rs62128809, ClinGen allele CA10652638.

ClinVar aggregate classification (germline): Benign. Review status: criteria provided, multiple submitters, no conflicts (2 of 4 stars). 4 submissions from 2 submitters: Benign (4). Last evaluated 2018-01-13.

Conditions:
Retinitis pigmentosa (RP). Identifiers: Orphanet 791, MedGen C0035334, MeSH D012174, MONDO:0019200, OMIM 268000. Inheritance: Autosomal dominant, autosomal recessive and X linked inheritance.
Leber congenital amaurosis 7 (LCA7). Identifiers: Orphanet 65, MedGen C3151192, MONDO:0013449, OMIM 613829.
Cone-rod dystrophy 2 (CORD2). Also called: CONE-ROD RETINAL DYSTROPHY; Cone-rod retinal dystrophy 2. Identifiers: Orphanet 1872, MedGen C3489532, MONDO:0007362, OMIM 120970.

Allele frequency attached by ClinVar (database versions not stated): 1000 Genomes Project 30x 0.06933; 1000 Genomes Project 0.06949; TOPMed 0.11095; gnomAD 0.12187 and 0.12192.

Submissions (4):

Illumina Laboratory Services, Illumina
Classification: Benign for Retinitis pigmentosa. Last evaluated: 2018-01-13. Review status: criteria provided, single submitter. Criteria: ICSL Variant Classification Criteria 13 December 2019. Collection method: clinical testing. Allele origin: germline.
Comment: This variant was observed in the ICSL laboratory as part of a predisposition screen in an ostensibly healthy population. It had not been previously curated by ICSL or reported in the Human Gene Mutation Database (HGMD: prior to June 1st, 2018), and was therefore a candidate for classification through an automated scoring system. Utilizing variant allele frequency, disease prevalence and penetrance estimates, and inheritance mode, an automated score was calculated to assess if this variant is too frequent to cause the disease. Based on the score and internal cut-off values, a variant classified as benign is not then subjected to further curation. The score for this variant resulted in a classification of benign for this disease.

Illumina Laboratory Services, Illumina
Classification: Benign for Leber congenital amaurosis 7. Last evaluated: 2018-01-13. Review status: criteria provided, single submitter. Criteria: ICSL Variant Classification Criteria 13 December 2019. Collection method: clinical testing. Allele origin: germline.
Comment: the same text as in the submission from Illumina Laboratory Services, Illumina above.

Illumina Laboratory Services, Illumina
Classification: Benign for Cone-rod dystrophy 2. Last evaluated: 2018-01-13. Review status: criteria provided, single submitter. Criteria: ICSL Variant Classification Criteria 13 December 2019. Collection method: clinical testing. Allele origin: germline.
Comment: the same text as in the submission from Illumina Laboratory Services, Illumina above.

Breakthrough Genomics
Classification: Benign. Review status: criteria provided, single submitter. Criteria: ACMG Guidelines, 2015. Collection method: not provided. Allele origin: germline. Inheritance: Autosomal dominant inheritance. Affected: yes.